The following is an entry in ClinVar:

ClinVar aggregate classification (germline): Likely pathogenic (0 of 4 stars; one submission).

Conditions:
SRY-related disorder. Also called: SRY-related condition.

Submission:

PreventionGenetics, part of Exact Sciences
Classification: Likely pathogenic for SRY-related condition. Last evaluated: 2023-10-23. Review status: no assertion criteria provided. Collection method: clinical testing. Allele origin: germline.
Comment: The SRY c.272G>C variant is predicted to result in the amino acid substitution p.Ser91Thr. To our knowledge, this variant has not been reported in the literature or in a large population database, indicating this variant is rare. This variant is interpreted as likely pathogenic.

NM_003140.3(SRY):c.272G>C (p.Ser91Thr)

Gene: SRY (sex determining region Y; minus strand). Cytogenetic location: Yp11.2.
Variant type: single nucleotide variant.
Coding change: c.272G>C on transcript NM_003140.3 (MANE Select); coding-DNA position 272, G replaced by C.
Protein change: p.Ser91Thr; replaces serine 91 with threonine.
Molecular consequence: missense variant.
Genome position (GRCh38, 1-based): chrY:2,787,332, C>G on the plus strand (G>C on the coding strand, the complement: SRY is on the minus strand). VCF-style: chrY-2787332-C-G. GRCh37 (hg19) VCF-style: chrY-2655373-C-G.
Other names: short protein forms S91T.
Identifiers: ClinVar variation 3053582 (VCV003053582.2), dbSNP rs2124486144, ClinGen allele CA414941404.